The following is an entry in ClinVar:

NM_022051.3(EGLN1):c.15C>A (p.Ser5Arg)

Gene: EGLN1 (egl-9 family hypoxia inducible factor 1; minus strand). Cytogenetic location: 1q42.2.
Variant type: single nucleotide variant.
Coding change: c.15C>A on transcript NM_022051.3 (MANE Select); coding-DNA position 15, C replaced by A.
Protein change: p.Ser5Arg; replaces serine 5 with arginine.
Molecular consequence: missense variant.
Genome position (GRCh38, 1-based): chr1:231,421,874, G>T on the plus strand (C>A on the coding strand, the complement: EGLN1 is on the minus strand). VCF-style: chr1-231421874-G-T. GRCh37 (hg19) VCF-style: chr1-231557620-G-T.
Other names: c.15C>A, p.Ser5Arg (NM_001377260.1, NM_001377261.1); short protein forms S5R.
Identifiers: ClinVar variation 4663421 (VCV004663421.1).
Genomic context (GRCh38, chr1:231,421,874, plus strand): 5'-CCCGCACAGCTCGCAGTACTGCCGGTCTCGCTCGCTCGGGCTCGGCCCGCCGGGCCCGCC[G>T]CTGTCATTGGCCATGGCGGCGGCGGCGGCGGCGACGGCGACTGCGGCGGCCGAGCAGGAG-3'
Protein context (NP_071334.1, residues 1-15): MAND[Ser5Arg]GGPGGPSPSE

ClinVar aggregate classification (germline): Uncertain significance (1 of 4 stars; one submission).

Submission:

Ambry Genetics
Classification: Uncertain significance. Last evaluated: 2025-12-07. Review status: criteria provided, single submitter. Criteria: Ambry Variant Classification Scheme 2023. Collection method: clinical testing. Allele origin: germline.
Comment: The p.S5R variant (also known as c.15C>A), located in coding exon 1 of the EGLN1 gene, results from a C to A substitution at nucleotide position 15. The serine at codon 5 is replaced by arginine, an amino acid with dissimilar properties. This amino acid position is conserved. In addition, this alteration is predicted to be tolerated by in silico analysis. Based on the available evidence, the clinical significance of this variant remains unclear.